The following is an entry in ClinVar:

NM_006662.3(SRCAP):c.1303G>C (p.Glu435Gln)

Gene: SRCAP (Snf2 related CREBBP activator protein; plus strand). Cytogenetic location: 16p11.2.
Variant type: single nucleotide variant.
Coding change: c.1303G>C on transcript NM_006662.3 (MANE Select); coding-DNA position 1303, G replaced by C.
Protein change: p.Glu435Gln; replaces glutamic acid 435 with glutamine.
Molecular consequence: missense variant.
Genome position (GRCh38, 1-based): chr16:30,711,073, G>C. VCF-style: chr16-30711073-G-C. GRCh37 (hg19) VCF-style: chr16-30722394-G-C.
Other names: short protein forms E435Q.
Identifiers: ClinVar variation 3061034 (VCV003061034.2), dbSNP rs2052885774, ClinGen allele CA395603288.

ClinVar aggregate classification (germline): Uncertain significance (0 of 4 stars; one submission).

Conditions:
SRCAP-related disorder. Also called: SRCAP-related condition.

Submission:

PreventionGenetics, part of Exact Sciences
Classification: Uncertain significance for SRCAP-related condition. Last evaluated: 2024-02-12. Review status: no assertion criteria provided. Collection method: clinical testing. Allele origin: germline.
Comment: The SRCAP c.1303G>C variant is predicted to result in the amino acid substitution p.Glu435Gln. To our knowledge, this variant has not been reported in the literature or in a large population database, indicating this variant is rare. At this time, the clinical significance of this variant is uncertain due to the absence of conclusive functional and genetic evidence.